The following is an entry in ClinVar:

ClinVar aggregate classification (germline): Benign (1 of 4 stars; one submission).

Submission:

CeGaT Center for Human Genetics Tuebingen
Classification: Benign. Last evaluated: 2024-09-01. Review status: criteria provided, single submitter. Criteria: CeGaT Center For Human Genetics Tuebingen Variant Classification Criteria Version 2. Collection method: clinical testing. Allele origin: germline. Affected: yes. Observed: 1 variant allele.
Comment: ANKRD30A: BS1, BS2

NM_052997.3(ANKRD30A):c.2470A>G (p.Thr824Ala)

Gene: ANKRD30A (ankyrin repeat domain 30A; plus strand). Cytogenetic location: 10p11.21.
Variant type: single nucleotide variant.
Coding change: c.2470A>G on transcript NM_052997.3 (MANE Select); coding-DNA position 2470, A replaced by G.
Protein change: p.Thr824Ala; replaces threonine 824 with alanine.
Molecular consequence: missense variant.
Genome position (GRCh38, 1-based): chr10:37,189,515, A>G. VCF-style: chr10-37189515-A-G. GRCh37 (hg19) VCF-style: chr10-37478443-A-G.
Other names: short protein forms T824A.
Identifiers: ClinVar variation 3388417 (VCV003388417.14).
Genomic context (GRCh38, chr10:37,189,515, plus strand): 5'-TACTTTTAACAGAGTCTCTGTGAGACTGTTTCACAGAAGGATGTGTGTTTACCCAAGGCT[A>G]CGCATCAAAAAGAAATAGATAAAATAAATGGAAAATTAGAAGGTAAGAACCGTTTTTTAT-3'
Protein context (NP_443723.3, residues 814-834): SQKDVCLPKA[Thr824Ala]HQKEIDKING